The following is an entry in ClinVar:

ClinVar aggregate classification (germline): Pathogenic/Likely pathogenic. Review status: criteria provided, multiple submitters, no conflicts (2 of 4 stars). 6 submissions from 6 submitters: Pathogenic (5); Likely pathogenic (1). Last evaluated 2025-12-14.

Conditions:
GRHPR-related disorder. Also called: GRHPR-related condition.
Primary hyperoxaluria, type II (HP2). Also called: GLYCERIC ACIDURIA; GLYOXYLATE REDUCTASE/HYDROXYPYRUVATE REDUCTASE DEFICIENCY; OXALOSIS II; D-GLYCERATE DEHYDROGENASE DEFICIENCY; Primary hyperoxaluria type 2. Identifiers: Orphanet 416, Orphanet 93599, MedGen C0268165, MONDO:0009824, OMIM 260000. Disease mechanism: loss of function.

Allele frequency attached by ClinVar (database versions not stated): gnomAD exomes 0.00002; ExAC 0.00003; TOPMed 0.00005; gnomAD 0.00007.

Submissions (6):

Labcorp Genetics (formerly Invitae), Labcorp
Classification: Pathogenic. Last evaluated: 2025-12-14. Review status: criteria provided, single submitter. Criteria: Invitae Variant Classification Sherloc (09022015). Collection method: clinical testing. Allele origin: germline.
Comment: This sequence change creates a premature translational stop signal (p.Arg47*) in the GRHPR gene. It is expected to result in an absent or disrupted protein product. Loss-of-function variants in GRHPR are known to be pathogenic (PMID: 25644115). This variant is present in population databases (rs774654020, gnomAD 0.008%). This variant has not been reported in the literature in individuals affected with GRHPR-related conditions. ClinVar contains an entry for this variant (Variation ID: 632541). For these reasons, this variant has been classified as Pathogenic.

Rare Kidney Stone Consortium and the Mayo Clinic Hyperoxaluria Center, Mayo Clinic
Classification: Pathogenic for Primary hyperoxaluria, type II. Last evaluated: 2025-10-03. Review status: criteria provided, single submitter. Criteria: ACMG Guidelines, 2015. Collection method: research. Allele origin: germline. Affected: yes. Observed: 1 variant allele.
Comment: ACMG:PVS1, PM2, PP4, PP5

Natera, Inc.
Classification: Pathogenic for Primary hyperoxaluria type II. Last evaluated: 2025-05-30. Review status: criteria provided, single submitter. Criteria: Natera Variant Classification Schema (03/2026). Collection method: clinical testing. Allele origin: germline.
Comment: The c.139C>T variant in GRHPR is a nonsense variant predicted to introduce a stop codon at amino acid 47. This variant is expected to result in nonsense mediated decay, truncation, or a dysfunctional protein product. This variant is rare in the general population with a frequency below the threshold expected for the associated phenotype(s). This variant has been observed in one or more individuals affected with the associated recessive disease, as either homozygous or compound heterozygous with a second variant (PMID: 37306718, 37139236, 28681512). Given the available evidence, this variant is classified as Pathogenic.

Fulgent Genetics
Classification: Pathogenic for Primary hyperoxaluria, type II. Last evaluated: 2024-03-08. Review status: criteria provided, single submitter. Criteria: ACMG Guidelines, 2015. Collection method: clinical testing. Allele origin: germline.

Clinical Biochemistry Laboratory, Health Services Laboratory
Classification: Pathogenic for Primary hyperoxaluria, type II. Last evaluated: 2023-10-27. Review status: criteria provided, single submitter. Criteria: ACMG Guidelines, 2015. Collection method: curation. Allele origin: germline. Affected: yes.
Comment: ACMG:PVS1 PM2 PP3

PreventionGenetics, part of Exact Sciences
Classification: Likely pathogenic for GRHPR-related condition. Last evaluated: 2023-09-22. Review status: criteria provided, single submitter. Criteria: ACMG Guidelines, 2015. Collection method: clinical testing. Allele origin: germline.
Comment: The GRHPR c.139C>T variant is predicted to result in premature protein termination (p.Arg47*). Additional protein truncating variants in the GRHPR gene have also been reported to be associated with hyperoxaluria (Williams et al. 2015. PubMed ID: 25629080, Hopp et al. 2015. PubMed ID: 25644115). This variant is reported in 0.0080% of alleles in individuals of African descent in gnomAD. Nonsense variants in GRHPR are expected to be pathogenic. This variant is interpreted as likely pathogenic.

Literature cited by the submitters: PubMed 25644115 (cited by Labcorp Genetics (formerly Invitae), Labcorp); PubMed 31685312 (cited by Rare Kidney Stone Consortium and the Mayo Clinic Hyperoxaluria Center, Mayo Clinic); PubMed 37306718 (cited by Rare Kidney Stone Consortium and the Mayo Clinic Hyperoxaluria Center, Mayo Clinic and Natera, Inc.); PubMed 37139236 (cited by Rare Kidney Stone Consortium and the Mayo Clinic Hyperoxaluria Center, Mayo Clinic and Natera, Inc.); PubMed 38727838 (cited by Rare Kidney Stone Consortium and the Mayo Clinic Hyperoxaluria Center, Mayo Clinic); PubMed 40794449 (cited by Rare Kidney Stone Consortium and the Mayo Clinic Hyperoxaluria Center, Mayo Clinic); PubMed 28681512 (cited by Natera, Inc.).

NM_012203.2(GRHPR):c.139C>T (p.Arg47Ter)

Gene: GRHPR (glyoxylate and hydroxypyruvate reductase; plus strand). Cytogenetic location: 9p13.2.
Variant type: single nucleotide variant.
Coding change: c.139C>T on transcript NM_012203.2 (MANE Select); coding-DNA position 139, C replaced by T.
Protein change: p.Arg47Ter; replaces arginine 47 with a stop codon.
Molecular consequence: nonsense.
Genome position (GRCh38, 1-based): chr9:37,424,900, C>T. VCF-style: chr9-37424900-C-T. GRCh37 (hg19) VCF-style: chr9-37424897-C-T.
Other names: short protein forms R47*.
Identifiers: ClinVar variation 632541 (VCV000632541.20), dbSNP rs774654020, ClinGen allele CA5058931.